The following is an entry in ClinVar:

ClinVar aggregate classification (germline): Uncertain significance. Review status: criteria provided, multiple submitters, no conflicts (2 of 4 stars). 2 submissions from 2 submitters: Uncertain significance (2). Last evaluated 2024-05-20.

Conditions:
Hyperkalemic periodic paralysis. Also called: Familial hyperkalemic periodic paralysis; Gamstorp disease. Identifiers: Orphanet 682, MedGen C0238357, MONDO:0008224, OMIM 170500, HP:0007215.

Submissions (2):

Labcorp Genetics (formerly Invitae), Labcorp
Classification: Uncertain significance for Hyperkalemic periodic paralysis. Last evaluated: 2024-05-20. Review status: criteria provided, single submitter. Criteria: Invitae Variant Classification Sherloc (09022015). Collection method: clinical testing. Allele origin: germline.
Comment: This sequence change replaces proline, which is neutral and non-polar, with leucine, which is neutral and non-polar, at codon 882 of the SCN4A protein (p.Pro882Leu). This variant is present in population databases (rs111858905, gnomAD 0.02%). This variant has not been reported in the literature in individuals affected with SCN4A-related conditions. Advanced modeling of protein sequence and biophysical properties (such as structural, functional, and spatial information, amino acid conservation, physicochemical variation, residue mobility, and thermodynamic stability) performed at Invitae indicates that this missense variant is not expected to disrupt SCN4A protein function with a negative predictive value of 95%. In summary, the available evidence is currently insufficient to determine the role of this variant in disease. Therefore, it has been classified as a Variant of Uncertain Significance.

GeneDx
Classification: Uncertain significance. Last evaluated: 2023-12-12. Review status: criteria provided, single submitter. Criteria: GeneDx Variant Classification Process June 2021. Collection method: clinical testing. Allele origin: germline. Affected: yes.
Comment: In silico analysis supports that this missense variant does not alter protein structure/function; Has not been previously published as pathogenic or benign to our knowledge

NM_000334.4(SCN4A):c.2645C>T (p.Pro882Leu)

Genes: GH-LCR (growth hormone locus control region; plus strand), SCN4A (sodium voltage-gated channel alpha subunit 4; minus strand). Cytogenetic location: 17q23.3.
Variant type: single nucleotide variant.
Coding change: c.2645C>T on transcript NM_000334.4 (MANE Select); coding-DNA position 2645, C replaced by T.
Protein change: p.Pro882Leu; replaces proline 882 with leucine.
Molecular consequence: missense variant.
Genome position (GRCh38, 1-based): chr17:63,951,632, G>A on the plus strand (C>T on the coding strand, the complement: SCN4A is on the minus strand). VCF-style: chr17-63951632-G-A. GRCh37 (hg19) VCF-style: chr17-62028992-G-A.
Other names: short protein forms P882L.
Identifiers: ClinVar variation 3017803 (VCV003017803.4), dbSNP rs111858905, ClinGen allele CA8709539.
Genomic context (GRCh38, chr17:63,951,632, plus strand): 5'-CCGTCAGCCAGGCCCATGTGGTTCAGGATGTGATTGTCCTTCTTCAGGTCCTCCTCGGGC[G>A]GCTCCTTCTTCTCATCCTCGGGGGCAGTCTCCCCCGCCTCTCCAGCCTCCCCGGCCCCGT-3'
Protein context (NP_000325.4, residues 872-892): ETAPEDEKKE[Pro882Leu]PEEDLKKDNH